The following is an entry in ClinVar:

NM_005476.7(GNE):c.1070+2dup

Gene: GNE (glucosamine (UDP-N-acetyl)-2-epimerase/N-acetylmannosamine kinase; minus strand). Cytogenetic location: 9p13.3.
Variant type: Duplication.
Coding change: c.1070+2dup on transcript NM_005476.7 (MANE Select); the canonical splice donor site of the intron after coding-DNA position 1070, one base duplicated (T; older notation c.1070+2dupT).
Molecular consequence: splice donor variant.
Genome position (GRCh38, 1-based): chr9:36,229,019, A duplicated on the plus strand (T on the coding strand, the reverse complement: GNE is on the minus strand). VCF-style (leftmost placement, unchanged base first): chr9-36229018-C-CA. GRCh37 (hg19) VCF-style: chr9-36229015-C-CA.
Other names: c.1163+2dupT (NM_001128227.3, NM_001128227.2); c.893+2dup (NM_001190388.2, NM_001374798.1); c.1163+2dup (NM_001128227.3); c.740+2dup (NM_001190384.3); c.917+2dup (NM_001374797.1); c.1070+2dup (NM_001190383.3).
Identifiers: ClinVar variation 287448 (VCV000287448.15), dbSNP rs886043636, ClinGen allele CA10605767.

ClinVar aggregate classification (germline): Conflicting classifications of pathogenicity. Review status: criteria provided, conflicting classifications (1 of 4 stars). 6 submissions from 6 submitters: Likely pathogenic (4); Uncertain significance (2). Last evaluated 2026-07-30.

Conditions:
GNE myopathy (NM). Also called: NONAKA DISTAL MYOPATHY; MYOPATHY, DISTAL, WITH OR WITHOUT RIMMED VACUOLES; INCLUSION BODY MYOPATHY, HEREDITARY, AUTOSOMAL RECESSIVE; INCLUSION BODY MYOPATHY 2, AUTOSOMAL RECESSIVE; IBM 2; Inclusion body myopathy autosomal recessive. Identifiers: Orphanet 602, MedGen C1853926, MONDO:0011603, OMIM 605820.
Sialuria. Also called: Sialic Acid Storage Disease; SIALURIA, FRENCH TYPE. Identifiers: Orphanet 3166, MedGen C0342853, MONDO:0010028, OMIM 269921.

Allele frequency attached by ClinVar (database versions not stated): gnomAD exomes below 0.00001.

Submissions (6):

Myriad Genetics, Inc.
Classification: Uncertain significance for GNE myopathy. Last evaluated: 2026-07-30. Review status: criteria provided, single submitter. Criteria: Myriad Autosomal Dominant, Autosomal Recessive and X-Linked Classification Criteria (2023). Collection method: clinical testing. Allele origin: unknown.
Comment: NM_001128227.2(GNE):c.1163+2dupT is an intronic variant classified as a variant of uncertain significance in the context of GNE myopathy. c.1163+2dupT has been observed in cases with relevant disease (PMID: 15146476, 23437777). Relevant functional assessments of this variant are not available in the literature. c.1163+2dupT has not been observed in referenced population frequency databases. In summary, there is insufficient evidence to classify NM_001128227.2(GNE):c.1163+2dupT as pathogenic or benign. Please note: this variant was assessed in the context of healthy population screening.

Natera, Inc.
Classification: Likely pathogenic for Nonaka myopathy. Last evaluated: 2025-09-15. Review status: criteria provided, single submitter. Criteria: Natera Variant Classification Schema (03/2026). Collection method: clinical testing. Allele origin: germline.
Comment: The c.1163+2dupT variant in GNE is a canonical splice donor site variant predicted to affect pre-mRNA splicing, which may result in an abnormal transcript and altered protein product. This variant is rare in the general population with a frequency below the threshold expected for the associated phenotype(s). This variant has been observed in one or more individuals affected with the associated recessive disease, as either homozygous or compound heterozygous with a second variant (PMID: 15146476). Functional studies show that this variant may disrupt protein function (PMID: 15146476). Computational prediction algorithms indicate this variant is likely to affect gene or protein function. Given the available evidence, this variant is classified as Likely Pathogenic.

Women's Health and Genetics/Laboratory Corporation of America, LabCorp
Classification: Likely pathogenic for GNE myopathy. Last evaluated: 2025-05-22. Review status: criteria provided, single submitter. Criteria: LabCorp Variant Classification Summary - May 2015. Collection method: clinical testing. Allele origin: germline.
Comment: Variant summary: GNE c.1163+2dupT alters a conserved nucleotide located close to a canonical splice site and therefore could affect mRNA splicing, leading to a significantly altered protein sequence. Several computational tools predict a significant impact on normal splicing: Four predict the variant abolishes a 5' splicing donor site. At least one publication reports experimental evidence that this variant affects mRNA splicing (Broccolini_2004). The variant was absent in 251420 control chromosomes. c.1163+2dupT has been observed in compound heterozygous state in an individuals affected with Inclusion Body Myopathy 2 (Broccolini_2004, Tasca_2012). The following publications have been ascertained in the context of this evaluation (PMID: 15146476, 22231866). ClinVar contains an entry for this variant (Variation ID: 287448). Based on the evidence outlined above, the variant was classified as likely pathogenic.

Labcorp Genetics (formerly Invitae), Labcorp
Classification: Likely pathogenic for Sialuria; GNE myopathy. Last evaluated: 2024-01-02. Review status: criteria provided, single submitter. Criteria: Invitae Variant Classification Sherloc (09022015). Collection method: clinical testing. Allele origin: germline.
Comment: This sequence change falls in intron 6 of the GNE gene. It does not directly change the encoded amino acid sequence of the GNE protein. It affects a nucleotide within the consensus splice site. This variant is not present in population databases (gnomAD no frequency). This variant has been observed in individual(s) with hereditary inclusion-body myopathy (PMID: 15146476, 22231866). In at least one individual the data is consistent with being in trans (on the opposite chromosome) from a pathogenic variant. This variant is also known as c.1070+2dupT. ClinVar contains an entry for this variant (Variation ID: 287448). Variants that disrupt the consensus splice site are a relatively common cause of aberrant splicing (PMID: 17576681, 9536098). Studies have shown that this variant is associated with inconclusive levels of altered splicing (PMID: 15146476). In summary, the currently available evidence indicates that the variant is pathogenic, but additional data are needed to prove that conclusively. Therefore, this variant has been classified as Likely Pathogenic.

Eurofins Ntd Llc (ga)
Classification: Uncertain significance. Last evaluated: 2016-04-15. Review status: criteria provided, single submitter. Criteria: EGL Classification Definitions. Collection method: clinical testing. Allele origin: germline. Observed: 1 variant allele, 1 heterozygote.

Kariminejad - Najmabadi Pathology & Genetics Center
Classification: Likely pathogenic for GNE myopathy. Review status: criteria provided, single submitter. Criteria: ACMG Guidelines, 2015. Collection method: clinical testing. Allele origin: germline. Affected: no.

Literature cited by the submitters: PubMed 15146476 (cited by 4 submitters); PubMed 23437777 (cited by Myriad Genetics, Inc.); PubMed 22231866 (cited by Women's Health and Genetics/Laboratory Corporation of America, LabCorp and Labcorp Genetics (formerly Invitae), Labcorp); PubMed 17576681 (cited by Labcorp Genetics (formerly Invitae), Labcorp); PubMed 9536098 (cited by Labcorp Genetics (formerly Invitae), Labcorp).